The following is an entry in ClinVar:

ClinVar aggregate classification (germline): Conflicting classifications of pathogenicity. Review status: criteria provided, conflicting classifications (1 of 4 stars). 6 submissions from 6 submitters: Uncertain significance (1); Likely benign (4). 1 of the submissions does not count toward it. Last evaluated 2025-11-09.

Conditions:
TTN-related disorder. Also called: TTN-related disorders; TTN-related condition; TTN-related disease.
Cardiovascular phenotype. Identifiers: MedGen CN230736.
Dilated cardiomyopathy 1G (CMD1G). Identifiers: Orphanet 154, MedGen C1858763, MONDO:0011400, OMIM 604145.
Autosomal recessive limb-girdle muscular dystrophy type 2J (LGMDR10). Also called: Limb-girdle muscular dystrophy, type 2J; MUSCULAR DYSTROPHY, LIMB-GIRDLE, AUTOSOMAL RECESSIVE 10. Identifiers: Orphanet 140922, MedGen C1837342, MONDO:0012127, OMIM 608807.

Allele frequency attached by ClinVar (database versions not stated): TOPMed 0.00003; gnomAD 0.00004 and 0.00005; ESP Exome Variant Server 0.00008; 1000 Genomes Project 30x 0.00016; 1000 Genomes Project 0.00020; ExAC 0.00001; gnomAD exomes 0.00001 and 0.00003.
gnomAD v4.1: 54 of 1,613,646 alleles (0.0033%); highest among the groups gnomAD compares: East Asian, 0.0067%; no homozygotes.

Submissions (6):

Labcorp Genetics (formerly Invitae), Labcorp
Classification: Likely benign for Dilated cardiomyopathy 1G; Autosomal recessive limb-girdle muscular dystrophy type 2J. Last evaluated: 2025-11-09. Review status: criteria provided, single submitter. Criteria: Invitae Variant Classification Sherloc (09022015). Collection method: clinical testing. Allele origin: germline.

Blueprint Genetics
Classification: Likely benign. Last evaluated: 2023-06-22. Review status: criteria provided, single submitter. Criteria: ACMG Guidelines, 2015. Collection method: clinical testing. Allele origin: germline.

Ambry Genetics
Classification: Likely benign for Cardiovascular phenotype. Last evaluated: 2021-01-21. Review status: criteria provided, single submitter. Criteria: Ambry Variant Classification Scheme 2023. Collection method: clinical testing. Allele origin: germline.

GeneDx
Classification: Likely benign. Last evaluated: 2019-07-10. Review status: criteria provided, single submitter. Criteria: GeneDx Variant Classification Process June 2021. Collection method: clinical testing. Allele origin: germline. Affected: yes.

Eurofins Ntd Llc (ga)
Classification: Uncertain significance. Last evaluated: 2016-12-27. Review status: criteria provided, single submitter. Criteria: EGL Classification Definitions 2015. Collection method: clinical testing. Allele origin: germline. Observed: 1 variant allele, 1 heterozygote.

PreventionGenetics, part of Exact Sciences
Classification: Likely benign for TTN-related condition. Last evaluated: 2024-06-08. Review status: no assertion criteria provided. Collection method: clinical testing. Allele origin: germline. Not counted in ClinVar's aggregate classification.
Comment: This variant is classified as likely benign based on ACMG/AMP sequence variant interpretation guidelines (Richards et al. 2015 PMID: 25741868, with internal and published modifications).

NM_001267550.2(TTN):c.70743C>T (p.His23581=)

Genes: TTN (titin; minus strand), TTN-AS1 (TTN antisense RNA 1; plus strand). Cytogenetic location: 2q31.2.
Variant type: single nucleotide variant.
Coding change: c.70743C>T on transcript NM_001267550.2 (MANE Select); coding-DNA position 70743, C replaced by T.
Protein change: p.His23581=; no amino-acid change (histidine 23581 retained).
Molecular consequence: synonymous variant.
Genome position (GRCh38, 1-based): chr2:178,575,389, G>A on the plus strand (C>T on the coding strand, the complement: TTN is on the minus strand). VCF-style: chr2-178575389-G-A. GRCh37 (hg19) VCF-style: chr2-179440116-G-A.
Other names: c.65820C>T, p.His21940= (NM_001256850.1); c.43548C>T, p.His14516= (NM_003319.4); c.63039C>T, p.His21013= (NM_133378.4); c.43923C>T, p.His14641= (NM_133432.3); c.44124C>T, p.His14708= (NM_133437.4).
Identifiers: ClinVar variation 499081 (VCV000499081.20), dbSNP rs375194057, ClinGen allele CA1990733.